The following is an entry in ClinVar:

NM_017780.4(CHD7):c.4849G>A (p.Gly1617Ser)

Gene: CHD7 (chromodomain helicase DNA binding protein 7; plus strand). Cytogenetic location: 8q12.2.
Variant type: single nucleotide variant.
Coding change: c.4849G>A on transcript NM_017780.4 (MANE Select); coding-DNA position 4849, G replaced by A.
Protein change: p.Gly1617Ser; replaces glycine 1617 with serine.
Molecular consequence: missense variant. On other transcripts: intron variant (1).
Genome position (GRCh38, 1-based): chr8:60,842,051, G>A. VCF-style: chr8-60842051-G-A. GRCh37 (hg19) VCF-style: chr8-61754610-G-A.
Other names: c.4849G>A (LRG_176t1); c.1717-20178G>A (NM_001316690.1); short protein forms G1617S.
Identifiers: ClinVar variation 267432 (VCV000267432.2), dbSNP rs886040993, ClinGen allele CA10602499.

ClinVar aggregate classification (germline): Uncertain significance (1 of 4 stars; one submission).

Conditions:
CHARGE syndrome (CHARGE). Also called: Hittner Hirsch Kreh syndrome; Coloboma, heart anomaly, choanal atresia, retardation, genital and ear anomalies; CHARGE association; Hall-Hittner syndrome; CHARGE ASSOCIATION--COLOBOMA, HEART ANOMALY, CHOANAL ATRESIA, RETARDATION, GENITAL AND EAR ANOMALIES. Identifiers: Orphanet 138, MedGen C0265354, MONDO:0008965.

Submission:

Genomic Diagnostic Laboratory, Division of Genomic Diagnostics, Children's Hospital of Philadelphia
Classification: Uncertain significance for CHARGE syndrome. Last evaluated: 2016-09-05. Review status: criteria provided, single submitter. Criteria: DGD Variant Analysis Guidelines. Collection method: clinical testing. Allele origin: germline. Observed: 2 variant alleles.
Comment: Clinical Testing